The following is an entry in ClinVar:

NM_013276.4(SHPK):c.391C>T (p.Arg131Ter)

Genes: SHPK (sedoheptulokinase; minus strand), LOC126862464 (MED14-independent group 3 enhancer GRCh37_chr17:3526895-3528094; plus strand). Cytogenetic location: 17p13.2.
Variant type: single nucleotide variant.
Coding change: c.391C>T on transcript NM_013276.4 (MANE Select); coding-DNA position 391, C replaced by T.
Protein change: p.Arg131Ter; replaces arginine 131 with a stop codon.
Molecular consequence: nonsense.
Genome position (GRCh38, 1-based): chr17:3,624,151, G>A on the plus strand (C>T on the coding strand, the complement: SHPK is on the minus strand). VCF-style: chr17-3624151-G-A. GRCh37 (hg19) VCF-style: chr17-3527445-G-A.
Other names: short protein forms R131*.
Identifiers: ClinVar variation 4738138 (VCV004738138.1).

ClinVar aggregate classification (germline): Uncertain significance (1 of 4 stars; one submission).

gnomAD v4.1: 10 of 1,614,124 alleles (0.00062%); highest among the groups gnomAD compares: African/African-American, 0.008%; no homozygotes.

Submission:

Labcorp Genetics (formerly Invitae), Labcorp
Classification: Uncertain significance. Last evaluated: 2025-09-28. Review status: criteria provided, single submitter. Criteria: Invitae Variant Classification Sherloc (09022015). Collection method: clinical testing. Allele origin: germline.
Comment: This sequence change creates a premature translational stop signal (p.Arg131*) in the SHPK gene. It is expected to result in an absent or disrupted protein product. However, the current clinical and genetic evidence is not sufficient to establish whether loss-of-function variants in SHPK cause disease. This variant is present in population databases (rs541648729, gnomAD 0.004%). This variant has not been reported in the literature in individuals affected with SHPK-related conditions. In summary, the available evidence is currently insufficient to determine the role of this variant in disease. Therefore, it has been classified as a Variant of Uncertain Significance.